The following is an entry in ClinVar:

NM_001723.7(DST):c.4210C>T (p.Arg1404Cys)

Gene: DST (dystonin; minus strand). Cytogenetic location: 6p12.1.
Variant type: single nucleotide variant.
Coding change: c.4210C>T on transcript NM_001723.7 (MANE Plus Clinical); coding-DNA position 4210, C replaced by T.
Protein change: p.Arg1404Cys; replaces arginine 1404 with cysteine.
Molecular consequence: missense variant. On other transcripts: intron variant (10).
Genome position (GRCh38, 1-based): chr6:56,619,824, G>A on the plus strand (C>T on the coding strand, the complement: DST is on the minus strand). VCF-style: chr6-56619824-G-A. GRCh37 (hg19) VCF-style: chr6-56484622-G-A.
Other names: c.4830+4706C>T (NM_001144769.5); c.4929+4706C>T (NM_001374722.1, NM_001374736.1); c.4956+4706C>T (NM_001374734.1); c.4416+4706C>T (NM_001144770.2); c.4296+4706C>T (NM_001374730.1, NM_001386100.1, NM_183380.4 and 1 more transcripts); c.3318+4706C>T (NM_015548.5); short protein forms R1404C.
Identifiers: ClinVar variation 2147068 (VCV002147068.5), dbSNP rs770720799, ClinGen allele CA3870571.

ClinVar aggregate classification (germline): Uncertain significance. Review status: criteria provided, multiple submitters, no conflicts (2 of 4 stars). 2 submissions from 2 submitters: Uncertain significance (2). Last evaluated 2025-11-17.

Conditions:
Epidermolysis bullosa simplex 3, localized or generalized intermediate, with BP230 deficiency (EBS3). Also called: Epidermolysis bullosa simplex, autosomal recessive 2; Epidermolysis bullosa simplex due to BP230 deficiency. Identifiers: Orphanet 412181, MedGen C3809470, MONDO:0014180, OMIM 615425.
Hereditary sensory and autonomic neuropathy type 6. Also called: Neuropathy, hereditary sensory and autonomic, type VI; HSAN VI. Identifiers: Orphanet 314381, MedGen C3539003, MONDO:0013839, OMIM 614653.

Allele frequency attached by ClinVar (database versions not stated): ExAC 0.00001; gnomAD exomes 0.00002; gnomAD 0.00003.
gnomAD v4.1: 30 of 1,613,918 alleles (0.0019%); highest among the groups gnomAD compares: Middle Eastern, 0.016%; 1 homozygote.

Submissions (2):

Labcorp Genetics (formerly Invitae), Labcorp
Classification: Uncertain significance for Epidermolysis bullosa simplex 3, localized or generalized intermediate, with BP230 deficiency; Hereditary sensory and autonomic neuropathy type 6. Last evaluated: 2025-11-17. Review status: criteria provided, single submitter. Criteria: Invitae Variant Classification Sherloc (09022015). Collection method: clinical testing. Allele origin: germline.
Comment: This sequence change replaces arginine, which is basic and polar, with cysteine, which is neutral and slightly polar, at codon 1404 of the DST protein (p.Arg1404Cys). This variant is present in population databases (rs770720799, gnomAD 0.01%). This variant has not been reported in the literature in individuals affected with DST-related conditions. ClinVar contains an entry for this variant (Variation ID: 2147068). An algorithm developed to predict the effect of missense changes on protein structure and function (PolyPhen-2) suggests that this variant is likely to be disruptive. In summary, the available evidence is currently insufficient to determine the role of this variant in disease. Therefore, it has been classified as a Variant of Uncertain Significance.

Blueprint Genetics
Classification: Uncertain significance. Last evaluated: 2022-01-12. Review status: criteria provided, single submitter. Criteria: ACMG Guidelines, 2015. Collection method: clinical testing. Allele origin: germline.